The following is an entry in ClinVar:

ClinVar aggregate classification (germline): Uncertain significance (1 of 4 stars; one submission).

Submission:

GeneDx
Classification: Uncertain significance. Last evaluated: 2024-10-09. Review status: criteria provided, single submitter. Criteria: GeneDx Variant Classification Process June 2021. Collection method: clinical testing. Allele origin: germline. Affected: yes.
Comment: Not observed at significant frequency in large population cohorts (gnomAD); In silico analysis supports that this missense variant has a deleterious effect on protein structure/function; Has not been previously published as pathogenic or benign to our knowledge

NM_005144.5(HR):c.3023T>G (p.Val1008Gly)

Gene: HR (HR lysine demethylase and nuclear receptor corepressor; minus strand). Cytogenetic location: 8p21.3.
Variant type: single nucleotide variant.
Coding change: c.3023T>G on transcript NM_005144.5 (MANE Select); coding-DNA position 3023, T replaced by G.
Protein change: p.Val1008Gly; replaces valine 1008 with glycine.
Molecular consequence: missense variant.
Genome position (GRCh38, 1-based): chr8:22,119,238, A>C on the plus strand (T>G on the coding strand, the complement: HR is on the minus strand). VCF-style: chr8-22119238-A-C. GRCh37 (hg19) VCF-style: chr8-21976751-A-C.
Other names: c.3023T>G, p.Val1008Gly (NM_018411.4); short protein forms V1008G.
Identifiers: ClinVar variation 3777659 (VCV003777659.1).